The following is an entry in ClinVar:

NM_003718.5(CDK13):c.2533C>A (p.Leu845Ile)

Gene: CDK13 (cyclin dependent kinase 13; plus strand). Cytogenetic location: 7p14.1.
Variant type: single nucleotide variant.
Coding change: c.2533C>A on transcript NM_003718.5 (MANE Select); coding-DNA position 2533, C replaced by A.
Protein change: p.Leu845Ile; replaces leucine 845 with isoleucine.
Molecular consequence: missense variant.
Genome position (GRCh38, 1-based): chr7:40,046,015, C>A. VCF-style: chr7-40046015-C-A. GRCh37 (hg19) VCF-style: chr7-40085614-C-A.
Other names: c.2533C>A, p.Leu845Ile (NM_031267.4); short protein forms L845I.
Identifiers: ClinVar variation 4075736 (VCV004075736.1).
Genomic context (GRCh38, chr7:40,046,015, plus strand): 5'-CTGGATTATTGTCATAAGAAGAACTTTTTGCATAGAGATATTAAATGTTCCAATATCCTT[C>A]TAAATAATAGGTATGGGTATGAACTTTATATATATTTAAAATGAGTTTTACCATGGACAT-3'
Protein context (NP_003709.3, residues 835-855): HRDIKCSNIL[Leu845Ile]NNRGQIKLAD

ClinVar aggregate classification (germline): Uncertain significance (1 of 4 stars; one submission).

Submission:

GeneDx
Classification: Uncertain significance. Last evaluated: 2025-02-18. Review status: criteria provided, single submitter. Criteria: GeneDx Variant Classification Process June 2021. Collection method: clinical testing. Allele origin: germline. Affected: yes.
Comment: Not observed at significant frequency in large population cohorts (gnomAD); In silico analysis indicates that this missense variant does not alter protein structure/function; Has not been previously published as pathogenic or benign to our knowledge